The following is an entry in ClinVar:

ClinVar aggregate classification (germline): Uncertain significance (1 of 4 stars; one submission).

Conditions:
Gorlin syndrome. Also called: Nevoid Basal Cell Carcinoma Syndrome; Basal cell nevus syndrome. Identifiers: Orphanet 377, MedGen C0004779, MONDO:0007187.

Submission:

Labcorp Genetics (formerly Invitae), Labcorp
Classification: Uncertain significance for Gorlin syndrome. Last evaluated: 2019-08-19. Review status: criteria provided, single submitter. Criteria: Invitae Variant Classification Sherloc (09022015). Collection method: clinical testing. Allele origin: germline.
Comment: This sequence change replaces isoleucine with methionine at codon 565 of the PTCH1 protein (p.Ile565Met). The isoleucine residue is moderately conserved and there is a small physicochemical difference between isoleucine and methionine. This variant is not present in population databases (ExAC no frequency). This variant has not been reported in the literature in individuals with PTCH1-related disease. Algorithms developed to predict the effect of missense changes on protein structure and function are either unavailable or do not agree on the potential impact of this missense change (SIFT: "Deleterious"; PolyPhen-2: "Possibly Damaging"; Align-GVGD: "Class C0"). In summary, the available evidence is currently insufficient to determine the role of this variant in disease. Therefore, it has been classified as a Variant of Uncertain Significance.

NM_000264.5(PTCH1):c.1695C>G (p.Ile565Met)

Gene: PTCH1 (patched 1; minus strand). Cytogenetic location: 9q22.32.
Variant type: single nucleotide variant.
Coding change: c.1695C>G on transcript NM_000264.5 (MANE Select); coding-DNA position 1695, C replaced by G.
Protein change: p.Ile565Met; replaces isoleucine 565 with methionine.
Molecular consequence: missense variant. On other transcripts: non-coding transcript variant (1).
Genome position (GRCh38, 1-based): chr9:95,476,067, G>C on the plus strand (C>G on the coding strand, the complement: PTCH1 is on the minus strand). VCF-style: chr9-95476067-G-C. GRCh37 (hg19) VCF-style: chr9-98238349-G-C.
Other names: c.1497C>G, p.Ile499Met (NM_001083602.3); c.1692C>G, p.Ile564Met (NM_001083603.3); c.1242C>G, p.Ile414Met (NM_001083604.3, NM_001083605.3, NM_001083606.3 and 1 more transcripts); c.1539C>G, p.Ile513Met (NM_001354918.2); short protein forms I565M, I499M, I414M, I513M, I564M.
Identifiers: ClinVar variation 567895 (VCV000567895.11), dbSNP rs1564046738, ClinGen allele CA374117936.